The following is an entry in ClinVar:

ClinVar aggregate classification (germline): Likely pathogenic (1 of 4 stars; one submission).

Conditions:
Fanconi anemia (FA). Also called: Fanconi's anemia. Identifiers: Orphanet 84, MedGen C0015625, MeSH D005199, MONDO:0019391.

Submission:

Labcorp Genetics (formerly Invitae), Labcorp
Classification: Likely pathogenic for Fanconi anemia. Last evaluated: 2022-07-17. Review status: criteria provided, single submitter. Criteria: Invitae Variant Classification Sherloc (09022015). Collection method: clinical testing. Allele origin: germline.
Comment: This sequence change affects an acceptor splice site in intron 13 of the FANCC gene. It is expected to disrupt RNA splicing. Variants that disrupt the donor or acceptor splice site typically lead to a loss of protein function (PMID: 16199547), and loss-of-function variants in FANCC are known to be pathogenic (PMID: 17924555). This variant is not present in population databases (gnomAD no frequency). This variant has not been reported in the literature in individuals affected with FANCC-related conditions. Algorithms developed to predict the effect of sequence changes on RNA splicing suggest that this variant may disrupt the consensus splice site. In summary, the currently available evidence indicates that the variant is pathogenic, but additional data are needed to prove that conclusively. Therefore, this variant has been classified as Likely Pathogenic.

Literature cited by the submitters: PubMed 16199547; PubMed 17924555.

NM_000136.3(FANCC):c.1330-2A>G

Genes: AOPEP (aminopeptidase O (putative); plus strand), FANCC (FA complementation group C; minus strand). Cytogenetic location: 9q22.32.
Variant type: single nucleotide variant.
Coding change: c.1330-2A>G on transcript NM_000136.3 (MANE Select); the canonical splice acceptor site of the intron before coding-DNA position 1330, A replaced by G.
Molecular consequence: splice acceptor variant.
Genome position (GRCh38, 1-based): chr9:95,107,271, T>C on the plus strand (A>G on the coding strand, the complement: FANCC is on the minus strand). VCF-style: chr9-95107271-T-C. GRCh37 (hg19) VCF-style: chr9-97869553-T-C.
Other names: c.1330-2A>G (NM_001243743.2).
Identifiers: ClinVar variation 2017869 (VCV002017869.4), dbSNP rs2134456820, ClinGen allele CA374106303.